The following is an entry in ClinVar:

NM_178857.6(RP1L1):c.3340T>A (p.Ser1114Thr)

Gene: RP1L1 (RP1 like 1). Cytogenetic location: 8p23.1.
Variant type: single nucleotide variant.
Coding change: c.3340T>A on transcript NM_178857.6 (MANE Select); coding-DNA position 3340, T replaced by A.
Protein change: p.Ser1114Thr; replaces serine 1114 with threonine.
Molecular consequence: missense variant.
Genome position (GRCh38, 1-based): chr8:10,610,758, A>T on the plus strand (T>A on the coding strand, the complement: RP1L1 is on the minus strand). VCF-style: chr8-10610758-A-T. GRCh37 (hg19) VCF-style: chr8-10468268-A-T.
Other names: short protein forms S1114T.
Identifiers: ClinVar variation 361312 (VCV000361312.8), dbSNP rs559059729, ClinGen allele CA4624516.

ClinVar aggregate classification (germline): Conflicting classifications of pathogenicity. Review status: criteria provided, conflicting classifications (1 of 4 stars). 4 submissions from 4 submitters: Uncertain significance (1); Benign (1); Likely benign (2). Last evaluated 2025-03-09.

Conditions:
Occult macular dystrophy (OCMD). Also called: OCCULT MACULAR DYSTROPHY, SUSCEPTIBILITY TO; OMD. Identifiers: Orphanet 247834, MedGen C3150833, MONDO:0013316, OMIM 613587, HP:0030636.
Retinal dystrophy. Also called: Inherited retinal dystrophy. Identifiers: Orphanet 71862, MedGen C0854723, MeSH D058499, MONDO:0019118, HP:0000556.
RP1L1-related disorder. Also called: RP1L1-related condition.

Allele frequency attached by ClinVar (database versions not stated): gnomAD 0.00005 and 0.00006; gnomAD exomes 0.00006 and 0.00020; TOPMed 0.00015; 1000 Genomes Project 30x 0.00016; 1000 Genomes Project 0.00020; ExAC 0.00021.
gnomAD v4.1: 104 of 1,613,350 alleles (0.0064%); highest among the groups gnomAD compares: East Asian, 0.2%; no homozygotes.

Submissions (4):

PreventionGenetics, part of Exact Sciences
Classification: Likely benign for RP1L1-related condition. Last evaluated: 2025-03-09. Review status: criteria provided, single submitter. Criteria: ACMG Guidelines, 2015. Collection method: clinical testing. Allele origin: germline.
Comment: This variant is classified as likely benign based on ACMG/AMP sequence variant interpretation guidelines (Richards et al. 2015 PMID: 25741868, with internal and published modifications).

Blueprint Genetics
Classification: Uncertain significance. Last evaluated: 2024-07-16. Review status: criteria provided, single submitter. Criteria: ACMG Guidelines, 2015. Collection method: clinical testing. Allele origin: germline.

Dept Of Ophthalmology, Nagoya University
Classification: Likely benign for Retinal dystrophy. Last evaluated: 2023-10-01. Review status: criteria provided, single submitter. Criteria: Submitter's publication. Collection method: research. Allele origin: germline. Affected: yes.

Illumina Laboratory Services, Illumina
Classification: Benign for Occult macular dystrophy. Last evaluated: 2018-01-13. Review status: criteria provided, single submitter. Criteria: ICSL Variant Classification Criteria 13 December 2019. Collection method: clinical testing. Allele origin: germline.
Comment: This variant was observed in the ICSL laboratory as part of a predisposition screen in an ostensibly healthy population. It had not been previously curated by ICSL or reported in the Human Gene Mutation Database (HGMD: prior to June 1st, 2018), and was therefore a candidate for classification through an automated scoring system. Utilizing variant allele frequency, disease prevalence and penetrance estimates, and inheritance mode, an automated score was calculated to assess if this variant is too frequent to cause the disease. Based on the score and internal cut-off values, a variant classified as benign is not then subjected to further curation. The score for this variant resulted in a classification of benign for this disease.